The following is an entry in ClinVar:

ClinVar aggregate classification (germline): Pathogenic. Review status: criteria provided, multiple submitters, no conflicts (2 of 4 stars). 3 submissions from 3 submitters: Pathogenic (3). Last evaluated 2026-03-25.

Conditions:
Coffin-Siris syndrome 1 (CSS1). Also called: ARID1B-Related Coffin-Siris Syndrome; Mental retardation, autosomal dominant 12. Identifiers: Orphanet 1465, MedGen C3281201, MONDO:0007617, OMIM 135900. Disease mechanism: gain of function.

Submissions (3):

GeneDx
Classification: Pathogenic. Last evaluated: 2026-03-25. Review status: criteria provided, single submitter. Criteria: GeneDx Variant Classification Process June 2021. Collection method: clinical testing. Allele origin: germline.
Comment: Reported as an apparently de novo variant in association with rare disorders in the literature (PMID: 33726816); however, patient clinical information not provided; Nonsense variant predicted to result in protein truncation or nonsense mediated decay in a gene for which loss of function is a known mechanism of disease; Not observed at significant frequency in large population cohorts (gnomAD); This variant is associated with the following publications: (PMID: 33726816)

Labcorp Genetics (formerly Invitae), Labcorp
Classification: Pathogenic. Last evaluated: 2025-05-22. Review status: criteria provided, single submitter. Criteria: Invitae Variant Classification Sherloc (09022015). Collection method: clinical testing. Allele origin: germline.
Comment: This sequence change creates a premature translational stop signal (p.Gln494*) in the ARID1B gene. It is expected to result in an absent or disrupted protein product. Loss-of-function variants in ARID1B are known to be pathogenic (PMID: 25674384, 30349098). This variant is not present in population databases (gnomAD no frequency). This variant has not been reported in the literature in individuals affected with ARID1B-related conditions. ClinVar contains an entry for this variant (Variation ID: 3254706). For these reasons, this variant has been classified as Pathogenic.

Victorian Clinical Genetics Services, Murdoch Childrens Research Institute
Classification: Pathogenic for Coffin-Siris syndrome 1. Last evaluated: 2023-07-16. Review status: criteria provided, single submitter. Criteria: ACMG Guidelines, 2015. Collection method: clinical testing. Allele origin: germline. Inheritance: Autosomal dominant inheritance. Affected: yes.
Comment: Based on the classification scheme VCGS_Germline_v1.3.4, this variant is classified as Pathogenic. Following criteria are met: 0102 - Loss of function is a known mechanism of disease in this gene and is associated with Coffin-Siris syndrome 1 (MIM#135900). (I) 0107 - This gene is associated with autosomal dominant disease. (I) 0115 - Variants in this gene are known to have variable expressivity (PMID: 33768696). (I) 0201 - Variant is predicted to cause nonsense-mediated decay (NMD) and loss of protein (premature termination codon is located at least 54 nucleotides upstream of the final exon-exon junction). (SP) 0251 - This variant is heterozygous. (I) 0301 - Variant is absent from gnomAD (both v2 and v3). (SP) 0701 - Other variants predicted to result in NMD comparable to the one identified in this case have very strong previous evidence for pathogenicity (DECIPHER). (SP) 0803 - This variant has limited previous evidence of pathogenicity in an unrelated individual (LOVD). (SP) 0905 - No published segregation evidence has been identified for this variant. (I) 1007 - No published functional evidence has been identified for this variant. (SP) Legend: (SP) - Supporting pathogenic, (I) - Information, (SB) - Supporting benign

Literature cited by the submitters: PubMed 25674384 (cited by Labcorp Genetics (formerly Invitae), Labcorp); PubMed 30349098 (cited by Labcorp Genetics (formerly Invitae), Labcorp); PubMed 33768696 (cited by Victorian Clinical Genetics Services, Murdoch Childrens Research Institute).

NM_001374828.1(ARID1B):c.1729C>T (p.Gln577Ter)

Gene: ARID1B (AT-rich interaction domain 1B; plus strand). Cytogenetic location: 6q25.3.
Variant type: single nucleotide variant.
Coding change: c.1729C>T on transcript NM_001374828.1 (MANE Select); coding-DNA position 1729, C replaced by T.
Protein change: p.Gln577Ter; replaces glutamine 577 with a stop codon.
Molecular consequence: nonsense.
Genome position (GRCh38, 1-based): chr6:156,779,409, C>T. VCF-style: chr6-156779409-C-T. GRCh37 (hg19) VCF-style: chr6-157100543-C-T.
Other names: c.1480C>T (NM_020732.3); c.1729C>T, p.Gln577Ter (NM_001371656.1, NM_001374820.1, NM_017519.3); short protein forms Q577*.
Identifiers: ClinVar variation 3254706 (VCV003254706.3), dbSNP rs2546846179.